The following is an entry in ClinVar:

NM_001379500.1(COL18A1):c.2368C>T (p.Arg790Ter)

Gene: COL18A1 (collagen type XVIII alpha 1 chain; plus strand). Cytogenetic location: 21q22.3.
Variant type: single nucleotide variant.
Coding change: c.2368C>T on transcript NM_001379500.1 (MANE Select); coding-DNA position 2368, C replaced by T.
Protein change: p.Arg790Ter; replaces arginine 790 with a stop codon.
Molecular consequence: nonsense.
Genome position (GRCh38, 1-based): chr21:45,494,560, C>T. VCF-style: chr21-45494560-C-T. GRCh37 (hg19) VCF-style: chr21-46914474-C-T.
Other names: c.2908C>T, p.Arg970Ter (NM_030582.4); c.3613C>T, p.Arg1205Ter (NM_130444.3); short protein forms R970*, R1205*.
Identifiers: ClinVar variation 438061 (VCV000438061.8), dbSNP rs1555870809, ClinGen allele CA410497580.

ClinVar aggregate classification (germline): Pathogenic. Review status: criteria provided, multiple submitters, no conflicts (2 of 4 stars). 3 submissions from 3 submitters: Pathogenic (2). 1 of the submissions does not count toward it. Last evaluated 2021-12-29.

Conditions:
Retinal dystrophy. Also called: Inherited retinal dystrophy. Identifiers: Orphanet 71862, MedGen C0854723, MeSH D058499, MONDO:0019118, HP:0000556.
Knobloch syndrome (KNO). Also called: Myopia retinal detachment encephalocele; RETINAL DETACHMENT AND OCCIPITAL ENCEPHALOCELE. Identifiers: Orphanet 1571, MedGen C1849409, MONDO:0800166.

Allele frequency attached by ClinVar (database versions not stated): gnomAD exomes 0.00001.
gnomAD v4.1: 7 of 1,613,264 alleles (0.00043%); highest among the groups gnomAD compares: Non-Finnish European, 0.00059%; no homozygotes.

Submissions (3):

Labcorp Genetics (formerly Invitae), Labcorp
Classification: Pathogenic. Last evaluated: 2021-12-29. Review status: criteria provided, single submitter. Criteria: Invitae Variant Classification Sherloc (09022015). Collection method: clinical testing. Allele origin: germline.
Comment: This sequence change creates a premature translational stop signal (p.Arg790*) in the COL18A1 gene. It is expected to result in an absent or disrupted protein product. Loss-of-function variants in COL18A1 are known to be pathogenic (PMID: 12415512, 25456301). This variant is not present in population databases (gnomAD no frequency). This premature translational stop signal has been observed in individual(s) with inherited retinal disorders (PMID: 32581362). ClinVar contains an entry for this variant (Variation ID: 438061). For these reasons, this variant has been classified as Pathogenic.

Kasturba Medical College, Manipal, Kasturba Medical College, Manipal, Manipal Academy of Higher Education, Manipal, India
Classification: Pathogenic for Knobloch syndrome 1. Review status: criteria provided, single submitter. Criteria: ACMG Guidelines, 2015. Collection method: clinical testing. Allele origin: inherited. Inheritance: Autosomal recessive inheritance. Affected: yes.

NIHR Bioresource Rare Diseases, University of Cambridge
Classification: Likely pathogenic for Retinal dystrophy. Last evaluated: 2015-01-01. Review status: no assertion criteria provided. Collection method: research. Allele origin: unknown. Affected: yes. Observed: 1 variant allele. Not counted in ClinVar's aggregate classification.

Literature cited by the submitters: PubMed 12415512 (cited by Labcorp Genetics (formerly Invitae), Labcorp); PubMed 25456301 (cited by Labcorp Genetics (formerly Invitae), Labcorp); PubMed 32581362 (cited by Labcorp Genetics (formerly Invitae), Labcorp); PubMed 28041643 (cited by NIHR Bioresource Rare Diseases, University of Cambridge).